The following is an entry in ClinVar:

NM_001386298.1(CIC):c.5090G>T (p.Gly1697Val)

Gene: CIC (capicua transcriptional repressor; plus strand). Cytogenetic location: 19q13.2.
Variant type: single nucleotide variant.
Coding change: c.5090G>T on transcript NM_001386298.1 (MANE Select); coding-DNA position 5090, G replaced by T.
Protein change: p.Gly1697Val; replaces glycine 1697 with valine.
Molecular consequence: missense variant.
Genome position (GRCh38, 1-based): chr19:42,291,131, G>T. VCF-style: chr19-42291131-G-T. GRCh37 (hg19) VCF-style: chr19-42795283-G-T.
Other names: c.5090G>T, p.Gly1697Val (NM_001304815.2, NM_001379480.1, NM_001379482.1 and 6 more transcripts); c.2363G>T, p.Gly788Val (NM_001379484.1, NM_001379485.1, NM_001439189.1 and 3 more transcripts); short protein forms G1697V, G788V.
Identifiers: ClinVar variation 4853549 (VCV004853549.1).

ClinVar aggregate classification (germline): Uncertain significance (1 of 4 stars; one submission).

gnomAD v4.1: 23 of 1,608,918 alleles (0.0014%); highest among the groups gnomAD compares: Admixed American, 0.0033%; no homozygotes.

Submission:

Women's Health and Genetics/Laboratory Corporation of America, LabCorp
Classification: Uncertain significance. Last evaluated: 2026-05-05. Review status: criteria provided, single submitter. Criteria: LabCorp Variant Classification Summary - May 2015. Collection method: clinical testing. Allele origin: germline.
Comment: Variant summary: CIC c.2363G>T (p.Gly788Val) results in a non-conservative amino acid change in the encoded protein sequence. Algorithms developed to predict the effect of missense changes on protein structure and function are either unavailable or do not agree on the potential impact of this missense change. The variant allele was found at a frequency of 2.9e-05 in 243460 control chromosomes. The available data on variant occurrences in the general population are insufficient to allow any conclusion about variant significance. To our knowledge, no occurrence of c.2363G>T in individuals affected with CIC-related conditions and no experimental evidence demonstrating its impact on protein function have been reported. No submitters have cited clinical-significance assessments for this variant to ClinVar. Based on the evidence outlined above, the variant was classified as uncertain significance.